The following is an entry in ClinVar:

NM_177531.6(PKHD1L1):c.1685A>G (p.Asp562Gly)

Gene: PKHD1L1 (PKHD1 like 1; plus strand). Cytogenetic location: 8q23.1.
Variant type: single nucleotide variant.
Coding change: c.1685A>G on transcript NM_177531.6 (MANE Select); coding-DNA position 1685, A replaced by G.
Protein change: p.Asp562Gly; replaces aspartic acid 562 with glycine.
Molecular consequence: missense variant.
Genome position (GRCh38, 1-based): chr8:109,406,350, A>G. VCF-style: chr8-109406350-A-G. GRCh37 (hg19) VCF-style: chr8-110418579-A-G.
Other names: short protein forms D562G.
Identifiers: ClinVar variation 4985107 (VCV004985107.1).
Genomic context (GRCh38, chr8:109,406,350, plus strand): 5'-TCAACTTTTCTGTTTGTTTGTTTGTTTGTTTTAATCCAATCAAAGTCTTCCTACCTGCTG[A>G]TGCTTCTGAATTCATACTGCAATCAGCCTTGAATGACCTCTGGTCTATAAAACCGGACAC-3'
Protein context (NP_803875.2, residues 552-572): NMEKTVFLPA[Asp562Gly]ASEFILQSAL

ClinVar aggregate classification (germline): Likely benign (1 of 4 stars; one submission).

Conditions:
PKHD1L1-related disorder. Also called: PKHD1L1-related condition.

gnomAD v4.1: 273 of 1,550,752 alleles (0.018%); highest among the groups gnomAD compares: African/African-American, 0.33%; no homozygotes.

Submission:

PreventionGenetics, part of Exact Sciences
Classification: Likely benign for PKHD1L1-related condition. Last evaluated: 2026-06-30. Review status: criteria provided, single submitter. Criteria: ACMG Guidelines, 2015. Collection method: clinical testing. Allele origin: germline.
Comment: This variant is classified as likely benign based on ACMG/AMP sequence variant interpretation guidelines (Richards et al. 2015 PMID: 25741868, with internal and published modifications).